The following is an entry in ClinVar:

NM_022051.3(EGLN1):c.98G>C (p.Cys33Ser)

Gene: EGLN1 (egl-9 family hypoxia inducible factor 1; minus strand). Cytogenetic location: 1q42.2.
Variant type: single nucleotide variant.
Coding change: c.98G>C on transcript NM_022051.3 (MANE Select); coding-DNA position 98, G replaced by C.
Protein change: p.Cys33Ser; replaces cysteine 33 with serine.
Molecular consequence: missense variant.
Genome position (GRCh38, 1-based): chr1:231,421,791, C>G on the plus strand (G>C on the coding strand, the complement: EGLN1 is on the minus strand). VCF-style: chr1-231421791-C-G. GRCh37 (hg19) VCF-style: chr1-231557537-C-G.
Other names: c.98G>C, p.Cys33Ser (NM_001377260.1, NM_001377261.1); short protein forms C33S.
Identifiers: ClinVar variation 4842507 (VCV004842507.1).

ClinVar aggregate classification (germline): Uncertain significance (1 of 4 stars; one submission).

Submission:

Ambry Genetics
Classification: Uncertain significance. Last evaluated: 2025-12-30. Review status: criteria provided, single submitter. Criteria: Ambry Variant Classification Scheme 2023. Collection method: clinical testing. Allele origin: germline.
Comment: The p.C33S variant (also known as c.98G>C), located in coding exon 1 of the EGLN1 gene, results from a G to C substitution at nucleotide position 98. The cysteine at codon 33 is replaced by serine, an amino acid with dissimilar properties. This amino acid position is conserved. In addition, this alteration is predicted to be deleterious by in silico analysis. Based on the available evidence, the clinical significance of this variant remains unclear.